The following is an entry in ClinVar:

NM_001267550.2(TTN):c.6927T>C (p.Asn2309=)

Genes: TTN (titin; minus strand), LOC126806433 (BRD4-independent group 4 enhancer GRCh37_chr2:179638309-179639508; plus strand). Cytogenetic location: 2q31.2.
Variant type: single nucleotide variant.
Coding change: c.6927T>C on transcript NM_001267550.2 (MANE Select); coding-DNA position 6927, T replaced by C.
Protein change: p.Asn2309=; no amino-acid change (asparagine 2309 retained).
Molecular consequence: synonymous variant.
Genome position (GRCh38, 1-based): chr2:178,774,337, A>G on the plus strand (T>C on the coding strand, the complement: TTN is on the minus strand). VCF-style: chr2-178774337-A-G. GRCh37 (hg19) VCF-style: chr2-179639064-A-G.
Other names: c.6927T>C, p.Asn2309= (NM_001256850.1, NM_133378.4, NM_133379.5); c.6789T>C, p.Asn2263= (NM_003319.4, NM_133432.3, NM_133437.4).
Identifiers: ClinVar variation 680387 (VCV000680387.11), dbSNP rs147580120, ClinGen allele CA430300110.

ClinVar aggregate classification (germline): Likely benign. Review status: criteria provided, multiple submitters, no conflicts (2 of 4 stars). 3 submissions from 3 submitters: Likely benign (3). Last evaluated 2025-10-29.

Conditions:
Cardiovascular phenotype. Identifiers: MedGen CN230736.
Dilated cardiomyopathy 1G (CMD1G). Identifiers: Orphanet 154, MedGen C1858763, MONDO:0011400, OMIM 604145.
Autosomal recessive limb-girdle muscular dystrophy type 2J (LGMDR10). Also called: MUSCULAR DYSTROPHY, LIMB-GIRDLE, AUTOSOMAL RECESSIVE 10; Limb-girdle muscular dystrophy, type 2J. Identifiers: Orphanet 140922, MedGen C1837342, MONDO:0012127, OMIM 608807.

Allele frequency attached by ClinVar (database versions not stated): TOPMed 0.00002.

Submissions (3):

Labcorp Genetics (formerly Invitae), Labcorp
Classification: Likely benign for Dilated cardiomyopathy 1G; Autosomal recessive limb-girdle muscular dystrophy type 2J. Last evaluated: 2025-10-29. Review status: criteria provided, single submitter. Criteria: Invitae Variant Classification Sherloc (09022015). Collection method: clinical testing. Allele origin: germline.

Ambry Genetics
Classification: Likely benign for Cardiovascular phenotype. Last evaluated: 2021-08-11. Review status: criteria provided, single submitter. Criteria: Ambry Variant Classification Scheme 2023. Collection method: clinical testing. Allele origin: germline.

GeneDx
Classification: Likely benign. Last evaluated: 2018-03-07. Review status: criteria provided, single submitter. Criteria: GeneDx Variant Classification (06012015). Collection method: clinical testing. Allele origin: germline. Affected: yes.
Comment: This variant is considered likely benign or benign based on one or more of the following criteria: it is a conservative change, it occurs at a poorly conserved position in the protein, it is predicted to be benign by multiple in silico algorithms, and/or has population frequency not consistent with disease.